The following is an entry in ClinVar:

ClinVar aggregate classification (germline): Pathogenic. Review status: criteria provided, multiple submitters, no conflicts (2 of 4 stars). 7 submissions from 7 submitters: Pathogenic (7). Last evaluated 2025-08-16.

Conditions:
Developmental and epileptic encephalopathy, 8 (DEE8). Also called: HYPEREKPLEXIA AND EPILEPSY. Identifiers: Orphanet 163985, Orphanet 2076, MedGen C1845102, MONDO:0010375, OMIM 300607.
ARHGEF9-related disorder. Also called: ARHGEF9-related condition.
Global developmental delay (DD). Also called: Cognitive delay. Identifiers: MedGen C0557874, HP:0001263. Disease mechanism: loss of function.

Submissions (7):

GeneDx
Classification: Pathogenic. Last evaluated: 2025-08-16. Review status: criteria provided, single submitter. Criteria: GeneDx Variant Classification Process June 2021. Collection method: clinical testing. Allele origin: germline. Affected: yes.
Comment: Nonsense variant predicted to result in protein truncation or nonsense mediated decay in a gene for which loss of function is a known mechanism of disease; Not observed at significant frequency in large population cohorts (gnomAD); This variant is associated with the following publications: (PMID: 33057194, 35982159, 37236975, 26633542, 31440721, 34851771, 33600053, 28708303)

Blueprint Genetics
Classification: Pathogenic for ARHGEF9-related disorders. Last evaluated: 2023-11-29. Review status: criteria provided, single submitter. Criteria: ACMG Guidelines, 2015. Collection method: clinical testing. Allele origin: germline. Affected: yes. Observed: 1 variant allele.

CeGaT Center for Human Genetics Tuebingen
Classification: Pathogenic. Last evaluated: 2023-01-01. Review status: criteria provided, single submitter. Criteria: CeGaT Center For Human Genetics Tuebingen Variant Classification Criteria Version 2. Collection method: clinical testing. Allele origin: germline. Affected: yes. Observed: 1 variant allele.
Comment: ARHGEF9: PVS1, PS2, PM2

Labcorp Genetics (formerly Invitae), Labcorp
Classification: Pathogenic for Developmental and epileptic encephalopathy, 8. Last evaluated: 2022-06-09. Review status: criteria provided, single submitter. Criteria: Invitae Variant Classification Sherloc (09022015). Collection method: clinical testing. Allele origin: germline.
Comment: For these reasons, this variant has been classified as Pathogenic. Algorithms developed to predict the effect of sequence changes on RNA splicing suggest that this variant may disrupt the consensus splice site. ClinVar contains an entry for this variant (Variation ID: 431121). This premature translational stop signal has been observed in individual(s) with early infantile epileptic encephalopathy (PMID: 28708303). This variant is not present in population databases (gnomAD no frequency). This sequence change creates a premature translational stop signal (p.Arg289*) in the ARHGEF9 gene. It is expected to result in an absent or disrupted protein product. Loss-of-function variants in ARHGEF9 are known to be pathogenic (PMID: 25678704, 26834553, 28589176).

Revvity Omics, Revvity
Classification: Pathogenic for Developmental and epileptic encephalopathy, 8. Last evaluated: 2022-05-18. Review status: criteria provided, single submitter. Criteria: ACMG Guidelines, 2015. Collection method: clinical testing. Allele origin: germline.

Groupe Hospitalier Pitie Salpetriere, Uf Genomique Du Developpement, Assistance Publique Hopitaux de Paris Sorbonne Université
Classification: Pathogenic for Epileptic encephalopathy, early infantile, 8. Last evaluated: 2017-01-06. Review status: criteria provided, single submitter. Criteria: ACMG Guidelines, 2015. Collection method: clinical testing. Allele origin: paternal. Affected: yes. Observed: 1 variant allele.
Comment: Intellectual Disability.

Genomic Medicine Lab, University of California San Francisco
Classification: Pathogenic for Global developmental delay. Review status: criteria provided, single submitter. Criteria: ACMG Guidelines, 2015. Collection method: clinical testing. Allele origin: maternal. Study: CSER.

Literature cited by the submitters: PubMed 28708303 (cited by Labcorp Genetics (formerly Invitae), Labcorp and Groupe Hospitalier Pitie Salpetriere, Uf Genomique Du Developpement, Assistance Publique Hopitaux de Paris Sorbonne Université); PubMed 25678704 (cited by Labcorp Genetics (formerly Invitae), Labcorp); PubMed 26834553 (cited by Labcorp Genetics (formerly Invitae), Labcorp); PubMed 28589176 (cited by Labcorp Genetics (formerly Invitae), Labcorp); PubMed 17893116 (cited by Groupe Hospitalier Pitie Salpetriere, Uf Genomique Du Developpement, Assistance Publique Hopitaux de Paris Sorbonne Université); PubMed 18615734 (cited by Groupe Hospitalier Pitie Salpetriere, Uf Genomique Du Developpement, Assistance Publique Hopitaux de Paris Sorbonne Université); PubMed 23033978 (cited by Groupe Hospitalier Pitie Salpetriere, Uf Genomique Du Developpement, Assistance Publique Hopitaux de Paris Sorbonne Université).

NM_001353921.2(ARHGEF9):c.886C>T (p.Arg296Ter)

Gene: ARHGEF9 (Cdc42 guanine nucleotide exchange factor 9; minus strand). Cytogenetic location: Xq11.1.
Variant type: single nucleotide variant.
Coding change: c.886C>T on transcript NM_001353921.2 (MANE Select); coding-DNA position 886, C replaced by T.
Protein change: p.Arg296Ter; replaces arginine 296 with a stop codon.
Molecular consequence: nonsense.
Genome position (GRCh38, 1-based): chrX:63,674,097, G>A on the plus strand (C>T on the coding strand, the complement: ARHGEF9 is on the minus strand). VCF-style: chrX-63674097-G-A. GRCh37 (hg19) VCF-style: chrX-62893977-G-A.
Other names: c.706C>T, p.Arg236Ter (NM_001173479.2); c.559C>T, p.Arg187Ter (NM_001173480.2, NM_001369042.1); c.802C>T, p.Arg268Ter (NM_001330495.2, NM_001353927.2, NM_001369033.1 and 8 more transcripts); c.886C>T, p.Arg296Ter (NM_001353922.2); c.904C>T, p.Arg302Ter (NM_001353923.1); c.685C>T, p.Arg229Ter (NM_001353924.2, NM_001353926.2, NM_001369039.1 and 1 more transcripts); c.865C>T, p.Arg289Ter (NM_001353928.2, NM_001369030.1, NM_001369031.1 and 2 more transcripts); c.451C>T, p.Arg151Ter (NM_001369045.1); short protein forms R289*, R187*, R236*, R268*, R151*, R229*, R296*, R302*.
Identifiers: ClinVar variation 431121 (VCV000431121.47), dbSNP rs1135401795, ClinGen allele CA413406037.